The following is an entry in ClinVar:

NM_001374828.1(ARID1B):c.4245C>G (p.Ser1415Arg)

Gene: ARID1B (AT-rich interaction domain 1B; plus strand). Cytogenetic location: 6q25.3.
Variant type: single nucleotide variant.
Coding change: c.4245C>G on transcript NM_001374828.1 (MANE Select); coding-DNA position 4245, C replaced by G.
Protein change: p.Ser1415Arg; replaces serine 1415 with arginine.
Molecular consequence: missense variant.
Genome position (GRCh38, 1-based): chr6:157,196,178, C>G. VCF-style: chr6-157196178-C-G. GRCh37 (hg19) VCF-style: chr6-157517312-C-G.
Other names: c.1746C>G, p.Ser582Arg (NM_001363725.2); c.4125C>G, p.Ser1375Arg (NM_001371656.1, NM_001374820.1); c.4086C>G, p.Ser1362Arg (NM_017519.3); c.3876C>G (NM_020732.3); short protein forms S1415R, S582R, S1375R, S1362R.
Identifiers: ClinVar variation 931496 (VCV000931496.26), dbSNP rs1453138221, ClinGen allele CA366237930.

ClinVar aggregate classification (germline): Uncertain significance. Review status: criteria provided, multiple submitters, no conflicts (2 of 4 stars). 2 submissions from 2 submitters: Uncertain significance (2). Last evaluated 2023-11-01.

Conditions:
Coffin-Siris syndrome 1 (CSS1). Also called: ARID1B-Related Coffin-Siris Syndrome; Mental retardation, autosomal dominant 12. Identifiers: Orphanet 1465, MedGen C3281201, MONDO:0007617, OMIM 135900. Disease mechanism: gain of function.

gnomAD v4.1: 6 of 1,612,386 alleles (0.00037%); highest among the groups gnomAD compares: Non-Finnish European, 0.00051%; no homozygotes.

Submissions (2):

CeGaT Center for Human Genetics Tuebingen
Classification: Uncertain significance. Last evaluated: 2023-11-01. Review status: criteria provided, single submitter. Criteria: CeGaT Center For Human Genetics Tuebingen Variant Classification Criteria Version 2. Collection method: clinical testing. Allele origin: germline. Affected: yes. Observed: 1 variant allele.
Comment: ARID1B: PM2, BP1, BP4

Centre for Mendelian Genomics, University Medical Centre Ljubljana
Classification: Uncertain significance for Coffin-Siris syndrome 1. Last evaluated: 2019-05-07. Review status: criteria provided, single submitter. Criteria: ACMG Guidelines, 2015. Collection method: clinical testing. Allele origin: unknown. Affected: yes.
Comment: This variant was classified as: Uncertain significance. The available evidence on this variant's pathogenicity is insufficient or conflicting. The following ACMG criteria were applied in classifying this variant: PM2.